The following is an entry in ClinVar:

NM_020297.4(ABCC9):c.1374C>T (p.Val458=)

Gene: ABCC9 (ATP binding cassette subfamily C member 9; minus strand). Cytogenetic location: 12p12.1.
Variant type: single nucleotide variant.
Coding change: c.1374C>T on transcript NM_020297.4 (MANE Select); coding-DNA position 1374, C replaced by T.
Protein change: p.Val458=; no amino-acid change (valine 458 retained).
Molecular consequence: synonymous variant.
Genome position (GRCh38, 1-based): chr12:21,908,158, G>A on the plus strand (C>T on the coding strand, the complement: ABCC9 is on the minus strand). VCF-style: chr12-21908158-G-A. GRCh37 (hg19) VCF-style: chr12-22061092-G-A.
Other names: c.1374C>T (NM_020297.3); c.1374C>T, p.Val458= (NM_001377273.1, NM_005691.4); c.510C>T, p.Val170= (NM_001377274.1).
Identifiers: ClinVar variation 533291 (VCV000533291.32), dbSNP rs200819464, ClinGen allele CA6481668.

ClinVar aggregate classification (germline): Conflicting classifications of pathogenicity. Review status: criteria provided, conflicting classifications (1 of 4 stars). 7 submissions from 6 submitters: Uncertain significance (2); Benign (1); Likely benign (3). 1 of the submissions does not count toward it. Last evaluated 2026-01-18.

Conditions:
Hypertrichotic osteochondrodysplasia Cantu type. Also called: Cantú Syndrome; Cantu Syndrome. Identifiers: Orphanet 1517, MedGen C0795905, MONDO:0009406, OMIM 239850.
Dilated cardiomyopathy 1O (CMD1O). Also called: CARDIOMYOPATHY, DILATED, WITH VENTRICULAR TACHYCARDIA. Identifiers: Orphanet 154, MedGen C1837839, MONDO:0012062, OMIM 608569.
ABCC9-related disorder. Also called: ABCC9-related disorders; ABCC9-related condition.
Cardiovascular phenotype. Identifiers: MedGen CN230736.

Allele frequency attached by ClinVar (database versions not stated): gnomAD exomes 0.00004 and 0.00009; gnomAD 0.00005; TOPMed 0.00005; ExAC 0.00008; ESP Exome Variant Server 0.00008; 1000 Genomes Project 0.00020; 1000 Genomes Project 30x 0.00031.
gnomAD v4.1: 70 of 1,612,584 alleles (0.0043%); highest among the groups gnomAD compares: East Asian, 0.058%; no homozygotes.

Submissions (7):

Labcorp Genetics (formerly Invitae), Labcorp
Classification: Benign for Dilated cardiomyopathy 1O. Last evaluated: 2026-01-18. Review status: criteria provided, single submitter. Criteria: Invitae Variant Classification Sherloc (09022015). Collection method: clinical testing. Allele origin: germline.

CeGaT Center for Human Genetics Tuebingen
Classification: Likely benign. Last evaluated: 2024-08-01. Review status: criteria provided, single submitter. Criteria: CeGaT Center For Human Genetics Tuebingen Variant Classification Criteria Version 2. Collection method: clinical testing. Allele origin: germline. Affected: yes. Observed: 1 variant allele.
Comment: ABCC9: BP4, BP7

Blueprint Genetics
Classification: Likely benign. Last evaluated: 2023-03-03. Review status: criteria provided, single submitter. Criteria: ACMG Guidelines, 2015. Collection method: clinical testing. Allele origin: germline.

Ambry Genetics
Classification: Likely benign for Cardiovascular phenotype. Last evaluated: 2022-10-17. Review status: criteria provided, single submitter. Criteria: Ambry Variant Classification Scheme 2023. Collection method: clinical testing. Allele origin: germline.

Illumina Laboratory Services, Illumina
Classification: Uncertain significance for Dilated cardiomyopathy 1O. Last evaluated: 2018-01-12. Review status: criteria provided, single submitter. Criteria: ICSL Variant Classification Criteria 13 December 2019. Collection method: clinical testing. Allele origin: germline.

Illumina Laboratory Services, Illumina
Classification: Uncertain significance for Hypertrichotic osteochondrodysplasia Cantu type. Last evaluated: 2018-01-12. Review status: criteria provided, single submitter. Criteria: ICSL Variant Classification Criteria 13 December 2019. Collection method: clinical testing. Allele origin: germline.

PreventionGenetics, part of Exact Sciences
Classification: Likely benign for ABCC9-related condition. Last evaluated: 2021-06-12. Review status: no assertion criteria provided. Collection method: clinical testing. Allele origin: germline. Not counted in ClinVar's aggregate classification.
Comment: This variant is classified as likely benign based on ACMG/AMP sequence variant interpretation guidelines (Richards et al. 2015 PMID: 25741868, with internal and published modifications).